The following is an entry in ClinVar:

NM_002204.4(ITGA3):c.1993C>A (p.Arg665Ser)

Gene: ITGA3 (integrin subunit alpha 3; plus strand). Cytogenetic location: 17q21.33.
Variant type: single nucleotide variant.
Coding change: c.1993C>A on transcript NM_002204.4 (MANE Select); coding-DNA position 1993, C replaced by A.
Protein change: p.Arg665Ser; replaces arginine 665 with serine.
Molecular consequence: missense variant.
Genome position (GRCh38, 1-based): chr17:50,077,044, C>A. VCF-style: chr17-50077044-C-A. GRCh37 (hg19) VCF-style: chr17-48154408-C-A.
Other names: short protein forms R665S.
Identifiers: ClinVar variation 1996908 (VCV001996908.4), dbSNP rs1474067325, ClinGen allele CA400183653.
Genomic context (GRCh38, chr17:50,077,044, plus strand): 5'-AGCAGAGACGTCCGGAAATTGCTCCTGAGCATCAACGTGACGAACACCCGGACCTCGGAG[C>A]GCTCCGGGGAGGACGCCCACGAGGCGCTGCTCACCCTGGTGGTGCCTCCCGCCCTGCTGC-3'
Protein context (NP_002195.1, residues 655-675): INVTNTRTSE[Arg665Ser]SGEDAHEALL

ClinVar aggregate classification (germline): Uncertain significance (1 of 4 stars; one submission).

gnomAD v4.1: 1 of 1,608,640 alleles (0.000062%); highest among the groups gnomAD compares: Non-Finnish European, 0.000085%; no homozygotes.

Submission:

Labcorp Genetics (formerly Invitae), Labcorp
Classification: Uncertain significance. Last evaluated: 2024-01-22. Review status: criteria provided, single submitter. Criteria: Invitae Variant Classification Sherloc (09022015). Collection method: clinical testing. Allele origin: germline.
Comment: This sequence change replaces arginine, which is basic and polar, with serine, which is neutral and polar, at codon 665 of the ITGA3 protein (p.Arg665Ser). This variant is not present in population databases (gnomAD no frequency). This variant has not been reported in the literature in individuals affected with ITGA3-related conditions. ClinVar contains an entry for this variant (Variation ID: 1996908). An algorithm developed to predict the effect of missense changes on protein structure and function (PolyPhen-2) suggests that this variant is likely to be tolerated. In summary, the available evidence is currently insufficient to determine the role of this variant in disease. Therefore, it has been classified as a Variant of Uncertain Significance.